The following is an entry in ClinVar:

NM_004006.2(DMD):c.94-?_4233+?del

Gene: DMD (dystrophin; minus strand).
Variant type: Deletion.
Coding change: c.94-?_4233+?del on transcript NM_004006.2.
Other names: c.94-?_4233+?del (LRG_199t1).
Identifiers: ClinVar variation 254062 (VCV000254062.1).

ClinVar aggregate classification (germline): Pathogenic (1 of 4 stars; one submission).

Conditions:
Duchenne muscular dystrophy (DMD). Also called: Duchenne Muscular Dystrophy (DMD); MUSCULAR DYSTROPHY, PSEUDOHYPERTROPHIC PROGRESSIVE, DUCHENNE TYPE. Identifiers: Orphanet 98896, MedGen C0013264, MONDO:0010679, OMIM 310200.

Submission:

Labcorp Genetics (formerly Invitae), Labcorp
Classification: Pathogenic for Duchenne muscular dystrophy. Last evaluated: 2016-01-29. Review status: criteria provided, single submitter. Criteria: Invitae Variant Classification Sherloc (09022015). Collection method: clinical testing. Allele origin: germline.
Comment: This variant is a gross deletion of the genomic region encompassing exons 3 to 30 of the DMD gene. This leads to an in-frame deletion, preserving the integrity of the reading frame. Truncating variants in DMD are known to be pathogenic (PMID: 16770791). A similar variant with deletion of exons 3-30 has been reported in the literature in an individual with Duchenne muscular dystrophy (PMID: 19937601). For these reasons, this variant has been classified as Pathogenic.